The following is an entry in ClinVar:

ClinVar aggregate classification (germline): Uncertain significance (1 of 4 stars; one submission).

Submission:

Labcorp Genetics (formerly Invitae), Labcorp
Classification: Uncertain significance. Last evaluated: 2023-12-19. Review status: criteria provided, single submitter. Criteria: Invitae Variant Classification Sherloc (09022015). Collection method: clinical testing. Allele origin: germline.
Comment: This sequence change replaces leucine, which is neutral and non-polar, with glutamine, which is neutral and polar, at codon 18 of the HSD17B3 protein (p.Leu18Gln). This variant is not present in population databases (gnomAD no frequency). This missense change has been observed in individual(s) with clinical features of HSD17B3-related conditions (Invitae). In at least one individual the data is consistent with being in trans (on the opposite chromosome) from a pathogenic variant. Advanced modeling of protein sequence and biophysical properties (such as structural, functional, and spatial information, amino acid conservation, physicochemical variation, residue mobility, and thermodynamic stability) performed at Invitae indicates that this missense variant is expected to disrupt HSD17B3 protein function with a positive predictive value of 80%. In summary, the available evidence is currently insufficient to determine the role of this variant in disease. Therefore, it has been classified as a Variant of Uncertain Significance.

NM_000197.2(HSD17B3):c.53T>A (p.Leu18Gln)

Genes: HSD17B3 (hydroxysteroid 17-beta dehydrogenase 3; minus strand), SLC35D2-HSD17B3 (SLC35D2-HSD17B3 readthrough; minus strand). Cytogenetic location: 9q22.32.
Variant type: single nucleotide variant.
Coding change: c.53T>A on transcript NM_000197.2 (MANE Select); coding-DNA position 53, T replaced by A.
Protein change: p.Leu18Gln; replaces leucine 18 with glutamine.
Molecular consequence: missense variant. On other transcripts: non-coding transcript variant (1).
Genome position (GRCh38, 1-based): chr9:96,302,052, A>T on the plus strand (T>A on the coding strand, the complement: HSD17B3 is on the minus strand). VCF-style: chr9-96302052-A-T. GRCh37 (hg19) VCF-style: chr9-99064334-A-T.
Other names: short protein forms L18Q.
Identifiers: ClinVar variation 2752890 (VCV002752890.3), dbSNP rs2490210603, ClinGen allele CA374126672.
Genomic context (GRCh38, chr9:96,302,052, plus strand): 5'-ACTTTCCAGTAGTTCAGTAAAACACATCTGGAGAATCTCACGCACTTCGCCAGGCAGGCC[A>T]GGCACACCAGCAGCCCTGTGAGGATGAAGAACTGTTCCAGGACGTCCCCCATGGCTGCAC-3'
Protein context (NP_000188.1, residues 8-28): FFILTGLLVC[Leu18Gln]ACLAKCVRFS